The following is an entry in ClinVar:

NM_003737.4(DCHS1):c.8638G>A (p.Gly2880Arg)

Gene: DCHS1 (dachsous cadherin-related 1; minus strand). Cytogenetic location: 11p15.4.
Variant type: single nucleotide variant.
Coding change: c.8638G>A on transcript NM_003737.4 (MANE Select); coding-DNA position 8638, G replaced by A.
Protein change: p.Gly2880Arg; replaces glycine 2880 with arginine.
Molecular consequence: missense variant.
Genome position (GRCh38, 1-based): chr11:6,623,038, C>T on the plus strand (G>A on the coding strand, the complement: DCHS1 is on the minus strand). VCF-style: chr11-6623038-C-T. GRCh37 (hg19) VCF-style: chr11-6644269-C-T.
Other names: c.8638G>A (NM_003737.2); short protein forms G2880R.
Identifiers: ClinVar variation 2174598 (VCV002174598.7), dbSNP rs1383439621, ClinGen allele CA379480611.
Genomic context (GRCh38, chr11:6,623,038, plus strand): 5'-GCCTCAGCTCCCGTGGTGCTTCCCGCCGGGTCCGGCCCCCACCCCCAGAGGTGGCTGTTC[C>T]GCTGCCTGGTGCCCGACTGTCCACCCGCAGGTACAGGGCTCCTGTAGTCTGGTTAATACC-3'
Protein context (NP_003728.1, residues 2870-2890): LRVDSRAPGS[Gly2880Arg]TATSGGGGRT

ClinVar aggregate classification (germline): Uncertain significance. Review status: criteria provided, multiple submitters, no conflicts (2 of 4 stars). 3 submissions from 3 submitters: Uncertain significance (3). Last evaluated 2024-06-26.

Conditions:
Inborn genetic diseases. Identifiers: MedGen C0950123, MeSH D030342.
Congenital heart disease (CHD). Identifiers: MedGen C0152021, MONDO:0005453. Disease mechanism: unknown.

Allele frequency attached by ClinVar (database versions not stated): gnomAD 0.00001; TOPMed 0.00002; gnomAD exomes 0.00006.
gnomAD v4.1: 80 of 1,574,284 alleles (0.0051%); highest among the groups gnomAD compares: Middle Eastern, 0.033%; no homozygotes.

Submissions (3):

Labcorp Genetics (formerly Invitae), Labcorp
Classification: Uncertain significance. Last evaluated: 2024-06-26. Review status: criteria provided, single submitter. Criteria: Invitae Variant Classification Sherloc (09022015). Collection method: clinical testing. Allele origin: germline.
Comment: This sequence change replaces glycine, which is neutral and non-polar, with arginine, which is basic and polar, at codon 2880 of the DCHS1 protein (p.Gly2880Arg). The frequency data for this variant in the population databases is considered unreliable, as metrics indicate poor data quality at this position in the gnomAD database. This variant has not been reported in the literature in individuals affected with DCHS1-related conditions. ClinVar contains an entry for this variant (Variation ID: 2174598). Advanced modeling of protein sequence and biophysical properties (such as structural, functional, and spatial information, amino acid conservation, physicochemical variation, residue mobility, and thermodynamic stability) performed at Invitae indicates that this missense variant is not expected to disrupt DCHS1 protein function with a negative predictive value of 95%. In summary, the available evidence is currently insufficient to determine the role of this variant in disease. Therefore, it has been classified as a Variant of Uncertain Significance.

Ambry Genetics
Classification: Uncertain significance for Inborn genetic diseases. Last evaluated: 2023-02-15. Review status: criteria provided, single submitter. Criteria: Ambry Variant Classification Scheme 2023. Collection method: clinical testing. Allele origin: germline.

Department of Pathology and Laboratory Medicine, Sinai Health System
Classification: Uncertain significance for congenital heart disease. Last evaluated: 2021-07-30. Review status: criteria provided, single submitter. Criteria: ACMG Guidelines, 2015. Collection method: research. Allele origin: germline.